The following is an entry in ClinVar:

ClinVar aggregate classification (germline): Uncertain significance (1 of 4 stars; one submission).

Conditions:
Spastic paraplegia. Identifiers: MedGen C0037772, HP:0001258.

Submission:

Labcorp Genetics (formerly Invitae), Labcorp
Classification: Uncertain significance for Spastic paraplegia. Last evaluated: 2019-10-07. Review status: criteria provided, single submitter. Criteria: Invitae Variant Classification Sherloc (09022015). Collection method: clinical testing. Allele origin: germline.
Comment: This sequence change replaces cysteine with tyrosine at codon 82 of the B4GALNT1 protein (p.Cys82Tyr). The cysteine residue is highly conserved and there is a large physicochemical difference between cysteine and tyrosine. This variant is not present in population databases (ExAC no frequency). This variant has not been reported in the literature in individuals with B4GALNT1-related conditions. Algorithms developed to predict the effect of missense changes on protein structure and function are either unavailable or do not agree on the potential impact of this missense change (SIFT: "Deleterious"; PolyPhen-2: "Possibly Damaging"; Align-GVGD: "Class C0"). In summary, the available evidence is currently insufficient to determine the role of this variant in disease. Therefore, it has been classified as a Variant of Uncertain Significance.

NM_001478.5(B4GALNT1):c.245G>A (p.Cys82Tyr)

Gene: B4GALNT1 (beta-1,4-N-acetyl-galactosaminyltransferase 1; minus strand). Cytogenetic location: 12q13.3.
Variant type: single nucleotide variant.
Coding change: c.245G>A on transcript NM_001478.5 (MANE Select); coding-DNA position 245, G replaced by A.
Protein change: p.Cys82Tyr; replaces cysteine 82 with tyrosine.
Molecular consequence: missense variant. On other transcripts: intron variant (1).
Genome position (GRCh38, 1-based): chr12:57,631,338, C>T on the plus strand (G>A on the coding strand, the complement: B4GALNT1 is on the minus strand). VCF-style: chr12-57631338-C-T. GRCh37 (hg19) VCF-style: chr12-58025121-C-T.
Other names: c.245G>A, p.Cys82Tyr (NM_001276469.2); c.219-252G>A (NM_001276468.2); short protein forms C82Y.
Identifiers: ClinVar variation 938814 (VCV000938814.1), dbSNP rs1885201541, ClinGen allele CA385502066.